The following is an entry in ClinVar:

ClinVar aggregate classification (germline): Uncertain significance. Review status: criteria provided, multiple submitters, no conflicts (2 of 4 stars). 4 submissions from 4 submitters: Uncertain significance (3). 1 of the submissions does not count toward it. Last evaluated 2023-08-07.

Conditions:
Achromatopsia 3 (ACHM3). Also called: PINGELAPESE BLINDNESS; ACHROMATOPSIA WITH MYOPIA; TOTAL COLORBLINDNESS WITH MYOPIA; ROD MONOCHROMACY 1; ROD MONOCHROMATISM 1. Identifiers: Orphanet 49382, MedGen C1849792, MONDO:0009875, OMIM 262300.
Achromatopsia. Also called: Rod monochromatism. Identifiers: Orphanet 49382, MedGen C0152200, MONDO:0018852, HP:0011516.

Allele frequency attached by ClinVar (database versions not stated): gnomAD 0.00001; gnomAD exomes 0.00001 and 0.00004; ExAC 0.00003; TOPMed 0.00003.
gnomAD v4.1: 6 of 1,613,930 alleles (0.00037%); highest among the groups gnomAD compares: East Asian, 0.011%; no homozygotes.

Submissions (4):

Women's Health and Genetics/Laboratory Corporation of America, LabCorp
Classification: Uncertain significance. Last evaluated: 2023-08-07. Review status: criteria provided, single submitter. Criteria: LabCorp Variant Classification Summary - May 2015. Collection method: clinical testing. Allele origin: germline.
Comment: Variant summary: CNGB3 c.680T>C (p.Leu227Pro) results in a non-conservative amino acid change in the encoded protein sequence. Four of five in-silico tools predict a damaging effect of the variant on protein function. The variant allele was found at a frequency of 4e-05 in 251368 control chromosomes (gnomAD). This frequency is not significantly higher than estimated for a pathogenic variant in CNGB3 causing Achromatopsia (4e-05 vs 0.005), allowing no conclusion about variant significance. c.680T>C has been reported in the literature in individuals affected with cone-rod dystrophy (Huang_2016, Sun_2020). These data indicate that the variant may be associated with disease. To our knowledge, no experimental evidence demonstrating an impact on protein function has been reported. The following publications have been ascertained in the context of this evaluation (PMID: 26992781, 32913385). Three submitters have cited clinical-significance assessments for this variant to ClinVar after 2014. All submitters classified the variant as uncertain significance. Based on the evidence outlined above, the variant was classified as VUS-possibly pathogenic.

3billion
Classification: Uncertain significance for Achromatopsia 3. Last evaluated: 2022-05-22. Review status: criteria provided, single submitter. Criteria: ACMG Guidelines, 2015. Collection method: clinical testing. Allele origin: germline. Affected: yes. Observed: 1 heterozygote.
Comment: The variant is observed at an extremely low frequency in the gnomAD v2.1.1 dataset (total allele frequency: 0.004%). Protein truncation variants are a common disease-causing mechanism. Same nucleotide change resulting in same amino acid change has been previously reported to be associated with CNGB3 related disorder (PMID: 26992781). However, the evidence of pathogenicity is insufficient at this time. Therefore, this variant is classified as uncertain significanceaccording to the recommendation of ACMG/AMP guideline.

Labcorp Genetics (formerly Invitae), Labcorp
Classification: Uncertain significance. Last evaluated: 2021-09-01. Review status: criteria provided, single submitter. Criteria: Invitae Variant Classification Sherloc (09022015). Collection method: clinical testing. Allele origin: germline.
Comment: This sequence change replaces leucine with proline at codon 227 of the CNGB3 protein (p.Leu227Pro). The leucine residue is weakly conserved and there is a moderate physicochemical difference between leucine and proline. This variant is present in population databases (rs752920111, ExAC 0.05%). This missense change has been observed in individual(s) with cone-rod dystrophy (PMID: 26992781). Algorithms developed to predict the effect of missense changes on protein structure and function (SIFT, PolyPhen-2, Align-GVGD) all suggest that this variant is likely to be disruptive. In summary, the available evidence is currently insufficient to determine the role of this variant in disease. Therefore, it has been classified as a Variant of Uncertain Significance.

Natera, Inc.
Classification: Uncertain significance for Achromatopsia. Last evaluated: 2020-10-05. Review status: no assertion criteria provided. Collection method: clinical testing. Allele origin: germline. Not counted in ClinVar's aggregate classification.

Literature cited by the submitters: PubMed 26992781 (cited by 3 submitters); PubMed 32913385 (cited by Women's Health and Genetics/Laboratory Corporation of America, LabCorp).

NM_019098.5(CNGB3):c.680T>C (p.Leu227Pro)

Gene: CNGB3 (cyclic nucleotide gated channel subunit beta 3; minus strand). Cytogenetic location: 8q21.3.
Variant type: single nucleotide variant.
Coding change: c.680T>C on transcript NM_019098.5 (MANE Select); coding-DNA position 680, T replaced by C.
Protein change: p.Leu227Pro; replaces leucine 227 with proline.
Molecular consequence: missense variant.
Genome position (GRCh38, 1-based): chr8:86,667,097, A>G on the plus strand (T>C on the coding strand, the complement: CNGB3 is on the minus strand). VCF-style: chr8-86667097-A-G. GRCh37 (hg19) VCF-style: chr8-87679325-A-G.
Other names: short protein forms L227P.
Identifiers: ClinVar variation 991602 (VCV000991602.5), dbSNP rs752920111, ClinGen allele CA4800305.